The following is an entry in ClinVar:

NM_152703.5(SAMD9L):c.776C>T (p.Ala259Val)

Gene: SAMD9L (sterile alpha motif domain containing 9 like; minus strand). Cytogenetic location: 7q21.2.
Variant type: single nucleotide variant.
Coding change: c.776C>T on transcript NM_152703.5 (MANE Select); coding-DNA position 776, C replaced by T.
Protein change: p.Ala259Val; replaces alanine 259 with valine.
Molecular consequence: missense variant.
Genome position (GRCh38, 1-based): chr7:93,135,196, G>A on the plus strand (C>T on the coding strand, the complement: SAMD9L is on the minus strand). VCF-style: chr7-93135196-G-A. GRCh37 (hg19) VCF-style: chr7-92764509-G-A.
Other names: c.776C>T, p.Ala259Val (NM_001303496.3, NM_001303497.3, NM_001303498.3 and 5 more transcripts); c.776C>T (NM_152703.2); short protein forms A259V.
Identifiers: ClinVar variation 1922861 (VCV001922861.6), dbSNP rs965466878, ClinGen allele CA161962913.

ClinVar aggregate classification (germline): Uncertain significance. Review status: criteria provided, multiple submitters, no conflicts (2 of 4 stars). 2 submissions from 2 submitters: Uncertain significance (2). Last evaluated 2026-01-27.

Conditions:
Inborn genetic diseases. Identifiers: MedGen C0950123, MeSH D030342.

Allele frequency attached by ClinVar (database versions not stated): gnomAD exomes 0.00001.
gnomAD v4.1: 8 of 1,613,972 alleles (0.0005%); highest among the groups gnomAD compares: Non-Finnish European, 0.00068%; no homozygotes.

Submissions (2):

Labcorp Genetics (formerly Invitae), Labcorp
Classification: Uncertain significance. Last evaluated: 2026-01-27. Review status: criteria provided, single submitter. Criteria: Invitae Variant Classification Sherloc (09022015). Collection method: clinical testing. Allele origin: germline.
Comment: This sequence change replaces alanine, which is neutral and non-polar, with valine, which is neutral and non-polar, at codon 259 of the SAMD9L protein (p.Ala259Val). This variant is present in population databases (no rsID available, gnomAD no frequency). This variant has not been reported in the literature in individuals affected with SAMD9L-related conditions. ClinVar contains an entry for this variant (Variation ID: 1922861). An algorithm developed to predict the effect of missense changes on protein structure and function outputs the following: PolyPhen-2: "Benign". The valine amino acid residue is found in multiple mammalian species, which suggests that this missense change does not adversely affect protein function. In summary, the available evidence is currently insufficient to determine the role of this variant in disease. Therefore, it has been classified as a Variant of Uncertain Significance.

Ambry Genetics
Classification: Uncertain significance for Inborn genetic diseases. Last evaluated: 2025-03-30. Review status: criteria provided, single submitter. Criteria: Ambry Variant Classification Scheme 2023. Collection method: clinical testing. Allele origin: germline.
Comment: The p.A259V variant (also known as c.776C>T), located in coding exon 1 of the SAMD9L gene, results from a C to T substitution at nucleotide position 776. The alanine at codon 259 is replaced by valine, an amino acid with similar properties. This amino acid position is conserved. In addition, this alteration is predicted to be tolerated by in silico analysis. Based on the available evidence, the clinical significance of this variant remains unclear.